The following is an entry in ClinVar:

NM_000057.4(BLM):c.658T>A (p.Leu220Met)

Gene: BLM (BLM RecQ like helicase; plus strand). Cytogenetic location: 15q26.1.
Variant type: single nucleotide variant.
Coding change: c.658T>A on transcript NM_000057.4 (MANE Select); coding-DNA position 658, T replaced by A.
Protein change: p.Leu220Met; replaces leucine 220 with methionine.
Molecular consequence: missense variant. On other transcripts: 5 prime UTR variant (1).
Genome position (GRCh38, 1-based): chr15:90,749,926, T>A. VCF-style: chr15-90749926-T-A. GRCh37 (hg19) VCF-style: chr15-91293156-T-A.
Other names: c.658T>A (NM_000057.3); c.658T>A, p.Leu220Met (NM_001287246.2, NM_001287247.2); c.-634T>A (NM_001287248.2); short protein forms L220M.
Identifiers: ClinVar variation 2801342 (VCV002801342.4), dbSNP rs2151147869, ClinGen allele CA393841272.

ClinVar aggregate classification (germline): Uncertain significance. Review status: criteria provided, single submitter (1 of 4 stars). 2 submissions from 2 submitters: Uncertain significance (1). 1 of the submissions does not count toward it. Last evaluated 2023-12-12.

Conditions:
Bloom syndrome (BLM). Also called: Bloom-Torre-Machacek syndrome. Identifiers: Orphanet 125, MedGen C0005859, MONDO:0008876, OMIM 210900.

Submissions (2):

Labcorp Genetics (formerly Invitae), Labcorp
Classification: Uncertain significance for Bloom syndrome. Last evaluated: 2023-12-12. Review status: criteria provided, single submitter. Criteria: Invitae Variant Classification Sherloc (09022015). Collection method: clinical testing. Allele origin: germline.
Comment: This sequence change replaces leucine, which is neutral and non-polar, with methionine, which is neutral and non-polar, at codon 220 of the BLM protein (p.Leu220Met). This variant is not present in population databases (gnomAD no frequency). This variant has not been reported in the literature in individuals affected with BLM-related conditions. An algorithm developed to predict the effect of missense changes on protein structure and function (PolyPhen-2) suggests that this variant is likely to be disruptive. In summary, the available evidence is currently insufficient to determine the role of this variant in disease. Therefore, it has been classified as a Variant of Uncertain Significance.

Natera, Inc.
Classification: Uncertain significance for Bloom syndrome. Last evaluated: 2025-03-31. Review status: no assertion criteria provided. Collection method: clinical testing. Allele origin: germline. Not counted in ClinVar's aggregate classification.